The following is an entry in ClinVar:

ClinVar aggregate classification (germline): Uncertain significance (1 of 4 stars; one submission).

gnomAD v4.1: 5 of 1,594,114 alleles (0.00031%); highest among the groups gnomAD compares: African/African-American, 0.0027%; no homozygotes.

Submission:

Labcorp Genetics (formerly Invitae), Labcorp
Classification: Uncertain significance. Last evaluated: 2024-11-19. Review status: criteria provided, single submitter. Criteria: Invitae Variant Classification Sherloc (09022015). Collection method: clinical testing. Allele origin: germline.
Comment: This sequence change replaces methionine, which is neutral and non-polar, with lysine, which is basic and polar, at codon 435 of the KIF22 protein (p.Met435Lys). This variant is not present in population databases (gnomAD no frequency). This variant has not been reported in the literature in individuals affected with KIF22-related conditions. Invitae Evidence Modeling of protein sequence and biophysical properties (such as structural, functional, and spatial information, amino acid conservation, physicochemical variation, residue mobility, and thermodynamic stability) indicates that this missense variant is not expected to disrupt KIF22 protein function with a negative predictive value of 80%. In summary, the available evidence is currently insufficient to determine the role of this variant in disease. Therefore, it has been classified as a Variant of Uncertain Significance.

NM_007317.3(KIF22):c.1304T>A (p.Met435Lys)

Gene: KIF22 (kinesin family member 22; plus strand). Cytogenetic location: 16p11.2.
Variant type: single nucleotide variant.
Coding change: c.1304T>A on transcript NM_007317.3 (MANE Select); coding-DNA position 1304, T replaced by A.
Protein change: p.Met435Lys; replaces methionine 435 with lysine.
Molecular consequence: missense variant.
Genome position (GRCh38, 1-based): chr16:29,802,792, T>A. VCF-style: chr16-29802792-T-A. GRCh37 (hg19) VCF-style: chr16-29814113-T-A.
Other names: c.1100T>A, p.Met367Lys (NM_001256270.1, NM_001256269.2); short protein forms M367K, M435K.
Identifiers: ClinVar variation 3611861 (VCV003611861.2).